The following is an entry in ClinVar:

ClinVar aggregate classification (germline): Benign (1 of 4 stars; one submission).

Allele frequency attached by ClinVar (database versions not stated): 1000 Genomes Project 30x 0.19363; 1000 Genomes Project 0.19529; gnomAD 0.25127 and 0.25186; TOPMed 0.25482.
gnomAD v4.1: 38,336 of 152,106 alleles (25%); highest among the groups gnomAD compares: Non-Finnish European, 35%; 5,768 homozygotes.

Submission:

GeneDx
Classification: Benign. Last evaluated: 2018-06-14. Review status: criteria provided, single submitter. Criteria: GeneDx Variant Classification (06012015). Collection method: clinical testing. Allele origin: germline. Affected: yes.
Comment: This variant is considered likely benign or benign based on one or more of the following criteria: it is a conservative change, it occurs at a poorly conserved position in the protein, it is predicted to be benign by multiple in silico algorithms, and/or has population frequency not consistent with disease.

NM_001999.4(FBN2):c.4100-216C>A

Gene: FBN2 (fibrillin 2; minus strand). Cytogenetic location: 5q23.3.
Variant type: single nucleotide variant.
Coding change: c.4100-216C>A on transcript NM_001999.4 (MANE Select); 216 bases into the intron before coding-DNA position 4100, C replaced by A.
Molecular consequence: intron variant.
Genome position (GRCh38, 1-based): chr5:128,333,250, G>T on the plus strand (C>A on the coding strand, the complement: FBN2 is on the minus strand). VCF-style: chr5-128333250-G-T. GRCh37 (hg19) VCF-style: chr5-127668942-G-T.
Identifiers: ClinVar variation 672319 (VCV000672319.1), dbSNP rs458882, ClinGen allele CA127007223.